The following is an entry in ClinVar:

ClinVar aggregate classification (germline): Conflicting classifications of pathogenicity. Review status: criteria provided, conflicting classifications (1 of 4 stars). 2 submissions from 2 submitters: Likely pathogenic (1); Uncertain significance (1). Last evaluated 2024-08-13.

Conditions:
Tuberous sclerosis 2 (TSC2). Identifiers: Orphanet 805, MedGen C1860707, MONDO:0013199, OMIM 613254.
Rhabdomyoma. Identifiers: MedGen C0035411, MONDO:0036688, HP:0009730.

Submissions (2):

Clinical Genetics Laboratory, Skane University Hospital Lund
Classification: Likely pathogenic for Rhabdomyoma. Last evaluated: 2024-08-13. Review status: criteria provided, single submitter. Criteria: ACMG Guidelines, 2015. Collection method: clinical testing. Allele origin: de novo. Inheritance: Autosomal dominant inheritance. Affected: yes.
Comment: PS2, PM2, PP3 (donor loss)

Labcorp Genetics (formerly Invitae), Labcorp
Classification: Uncertain significance for Tuberous sclerosis 2. Last evaluated: 2018-10-29. Review status: criteria provided, single submitter. Criteria: Invitae Variant Classification Sherloc (09022015). Collection method: clinical testing. Allele origin: germline.
Comment: In summary, the available evidence is currently insufficient to determine the role of this variant in disease. Therefore, it has been classified as a Variant of Uncertain Significance. Nucleotide substitutions within the consensus splice site are a relatively common cause of aberrant splicing (PMID: 17576681, 9536098). Algorithms developed to predict the effect of sequence changes on RNA splicing suggest that this variant may disrupt the consensus splice site, but this prediction has not been confirmed by published transcriptional studies. This variant has not been reported in the literature in individuals with TSC2-related disease. This variant is not present in population databases (ExAC no frequency). This sequence change falls in intron 18 of the TSC2 gene. It does not directly change the encoded amino acid sequence of the TSC2 protein, but it affects a nucleotide within the consensus splice site of the intron.

Literature cited by the submitters: PubMed 17576681 (cited by Labcorp Genetics (formerly Invitae), Labcorp); PubMed 9536098 (cited by Labcorp Genetics (formerly Invitae), Labcorp).

NM_000548.5(TSC2):c.1946+3A>C

Gene: TSC2 (TSC complex subunit 2; plus strand). Cytogenetic location: 16p13.3.
Variant type: single nucleotide variant.
Coding change: c.1946+3A>C on transcript NM_000548.5 (MANE Select); 3 bases into the intron after coding-DNA position 1946, A replaced by C.
Molecular consequence: intron variant.
Genome position (GRCh38, 1-based): chr16:2,071,619, A>C. VCF-style: chr16-2071619-A-C. GRCh37 (hg19) VCF-style: chr16-2121620-A-C.
Other names: c.1946+3A>C (NM_001114382.3, NM_021055.3, NM_001370405.1 and 3 more transcripts); c.1835+3A>C (NM_001318827.2); c.1346+3A>C (NM_001318831.2); c.1799+3A>C (NM_001318829.2); c.1979+3A>C (NM_001318832.2).
Identifiers: ClinVar variation 661062 (VCV000661062.7), dbSNP rs1596342841, ClinGen allele CA915946249.